The following is an entry in ClinVar:

ClinVar aggregate classification (germline): Uncertain significance. Review status: criteria provided, single submitter (1 of 4 stars). 2 submissions from 2 submitters: Uncertain significance (1). 1 of the submissions does not count toward it. Last evaluated 2023-07-24.

Conditions:
Congenital heart defects, multiple types, 4 (CHTD4). Identifiers: MedGen C4014310, MONDO:0014344, OMIM 615779.

Submissions (2):

3billion
Classification: Uncertain significance for Congenital heart defects, multiple types, 4. Last evaluated: 2023-07-24. Review status: criteria provided, single submitter. Criteria: ACMG Guidelines, 2015. Collection method: clinical testing. Allele origin: germline. Affected: yes.
Comment: The variant is observed at an allele frequency greater than expected for the associated disorder in the gnomAD v2.1.1 dataset and therefore considered benign. Predicted Consequence/Location: Inframe insertion located in a nonrepeat region: predicted to change the length of the protein and disrupt normal protein function. The variant has been reported to co-segregate with the disease in at least 3 similarly affected relatives/individuals in the same family or similarly affected unrelated families (PMID: 24702954). The variant has been reported to be associated with NR2F2 related disorder (ClinVar ID: VCV000128234 /PMID: 24702954). However, the evidence of pathogenicity is insufficient at this time. Therefore, this variant is classified as VUS according to the recommendation of ACMG/AMP guideline.

OMIM
Classification: Pathogenic for CONGENITAL HEART DEFECTS, MULTIPLE TYPES, 4. Last evaluated: 2014-04-03. Review status: no assertion criteria provided. Collection method: literature only. Allele origin: germline. Not counted in ClinVar's aggregate classification.

Literature cited by the submitters: PubMed 24702954 (cited by 3billion and OMIM).

NM_021005.4(NR2F2):c.210GCA[6] (p.Gln75dup)

Gene: NR2F2 (nuclear receptor subfamily 2 group F member 2; plus strand). Cytogenetic location: 15q26.2.
Variant type: Microsatellite.
Coding change: c.210GCA[6] on transcript NM_021005.4 (MANE Select); six copies in a row of the 3-base unit GCA starting at c.210; the reference has five copies in a row; one copy, 3 bases duplicated; also written c.222_224dup.
Protein change: p.Gln75dup; duplicates glutamine 75.
Molecular consequence: inframe insertion. On other transcripts: intron variant (1).
Genome position (GRCh38, 1-based): chr15:96,332,327-96,332,329, GCA duplicated; duplicating any 3 consecutive bases within chr15:96,332,314-96,332,329 gives the same sequence; the position shown is the placement nearest the transcript's 3' end. VCF-style (leftmost placement, unchanged base first): chr15-96332313-A-AAGC. GRCh37 (hg19) VCF-style: chr15-96875542-A-AAGC.
Other names: c.44-1762AGC[6] (NM_001145155.2); c.222_224dup (NM_021005.4).
Identifiers: ClinVar variation 128234 (VCV000128234.6), dbSNP rs780808943, ClinGen allele CA151542.
Genomic context (GRCh38, chr15:96,332,313, plus strand): 5'-AGCACGCCAGCCCAGACGGCGGCCGGTGGCCAGGGCGGCCCTGGCGGCCCGGGTAGCGAC[A>AAGC]AGCAGCAGCAGCAGCAACACATCGAGTGCGTGGTGTGCGGAGACAAGTCGAGCGGCAAGC-3'